The following is an entry in ClinVar:

NM_016239.4(MYO15A):c.7302dup (p.Arg2435fs)

Gene: MYO15A (myosin XVA; plus strand). Cytogenetic location: 17p11.2.
Variant type: Duplication.
Coding change: c.7302dup on transcript NM_016239.4 (MANE Select); coding-DNA position 7302, one base duplicated (C; older notation c.7302dupC).
Protein change: p.Arg2435fs; shifts the reading frame from arginine 2435.
Molecular consequence: frameshift variant.
Genome position (GRCh38, 1-based): chr17:18,150,518, C duplicated; the last of 5 consecutive C bases (chr17:18,150,514-18,150,518); duplicating any one gives the same sequence. VCF-style (leftmost placement, unchanged base first): chr17-18150513-A-AC. GRCh37 (hg19) VCF-style: chr17-18053827-A-AC.
Other names: short protein forms R2435fs.
Identifiers: ClinVar variation 4796530 (VCV004796530.1).

ClinVar aggregate classification (germline): Likely pathogenic (1 of 4 stars; one submission).

Conditions:
Autosomal recessive nonsyndromic hearing loss 3. Also called: NEUROSENSORY NONSYNDROMIC RECESSIVE DEAFNESS 3. Identifiers: Orphanet 90636, MedGen C1838263, MONDO:0010860, OMIM 600316.

Submission:

Juno Genomics, Hangzhou Juno Genomics, Inc
Classification: Likely pathogenic for Autosomal recessive nonsyndromic hearing loss 3. Review status: criteria provided, single submitter. Criteria: ACMG Guidelines, 2015. Collection method: clinical testing. Allele origin: germline. Affected: yes.
Comment: Absent from controls (or at extremely low frequency if recessive) in Genome Aggregation Database, Exome Sequencing Project, 1000 Genomes Project, or Exome Aggregation Consortium.;Null variant in a gene where loss of function (LOF) is a known mechanism of disease.